The following is an entry in ClinVar:

ClinVar aggregate classification (germline): Uncertain significance. Review status: criteria provided, multiple submitters, no conflicts (2 of 4 stars). 2 submissions from 2 submitters: Uncertain significance (2). Last evaluated 2025-05-08.

Conditions:
Hereditary cancer-predisposing syndrome. Also called: Tumor predisposition; Hereditary neoplastic syndrome; Neoplastic Syndromes, Hereditary; Hereditary Cancer Syndrome. Identifiers: Orphanet 140162, MedGen C0027672, MeSH D009386, MONDO:0015356.
Tuberous sclerosis 2 (TSC2). Identifiers: Orphanet 805, MedGen C1860707, MONDO:0013199, OMIM 613254.

Submissions (2):

Labcorp Genetics (formerly Invitae), Labcorp
Classification: Uncertain significance for Tuberous sclerosis 2. Last evaluated: 2025-05-08. Review status: criteria provided, single submitter. Criteria: Invitae Variant Classification Sherloc (09022015). Collection method: clinical testing. Allele origin: germline.
Comment: This sequence change replaces serine, which is neutral and polar, with alanine, which is neutral and non-polar, at codon 1507 of the TSC2 protein (p.Ser1507Ala). This variant is not present in population databases (gnomAD no frequency). This variant has not been reported in the literature in individuals affected with TSC2-related conditions. ClinVar contains an entry for this variant (Variation ID: 934023). Invitae Evidence Modeling of protein sequence and biophysical properties (such as structural, functional, and spatial information, amino acid conservation, physicochemical variation, residue mobility, and thermodynamic stability) indicates that this missense variant is not expected to disrupt TSC2 protein function with a negative predictive value of 95%. In summary, the available evidence is currently insufficient to determine the role of this variant in disease. Therefore, it has been classified as a Variant of Uncertain Significance.

Ambry Genetics
Classification: Uncertain significance for Hereditary cancer-predisposing syndrome. Last evaluated: 2024-06-24. Review status: criteria provided, single submitter. Criteria: Ambry Variant Classification Scheme 2023. Collection method: clinical testing. Allele origin: germline.
Comment: The p.S1507A variant (also known as c.4519T>G), located in coding exon 34 of the TSC2 gene, results from a T to G substitution at nucleotide position 4519. The serine at codon 1507 is replaced by alanine, an amino acid with similar properties. This amino acid position is conserved. In addition, this alteration is predicted to be deleterious by in silico analysis. Based on the available evidence, the clinical significance of this variant remains unclear.

NM_000548.5(TSC2):c.4519T>G (p.Ser1507Ala)

Gene: TSC2 (TSC complex subunit 2; plus strand). Cytogenetic location: 16p13.3.
Variant type: single nucleotide variant.
Coding change: c.4519T>G on transcript NM_000548.5 (MANE Select); coding-DNA position 4519, T replaced by G.
Protein change: p.Ser1507Ala; replaces serine 1507 with alanine.
Molecular consequence: missense variant.
Genome position (GRCh38, 1-based): chr16:2,084,976, T>G. VCF-style: chr16-2084976-T-G. GRCh37 (hg19) VCF-style: chr16-2134977-T-G.
Other names: c.4318T>G, p.Ser1440Ala (NM_001077183.3); c.4450T>G, p.Ser1484Ala (NM_001114382.3); c.4210T>G, p.Ser1404Ala (NM_001318827.2); c.4174T>G, p.Ser1392Ala (NM_001318829.2); c.3787T>G, p.Ser1263Ala (NM_001318831.2); c.4351T>G, p.Ser1451Ala (NM_001318832.2); c.4321T>G, p.Ser1441Ala (NM_001363528.2); c.4387T>G, p.Ser1463Ala (NM_001370404.1); and 1 more; short protein forms S1263A, S1440A, S1451A, S1484A, S1392A, S1441A, S1463A, S1464A.
Identifiers: ClinVar variation 934023 (VCV000934023.8), dbSNP rs781736405, ClinGen allele CA394302780.
Genomic context (GRCh38, chr16:2,084,976, plus strand): 5'-CTCACCTGGGTGCCCACCATCCCCTCCCTGTGCAGTTTCGTGTTCCTGCAGCTCTACCAT[T>G]CCCCCTTCTTTGGCGACGAGTCAAACAAGCCAATCCTGCTGCCCAATGAGGTAGGCGTGG-3'
Protein context (NP_000539.2, residues 1497-1517): PSFVFLQLYH[Ser1507Ala]PFFGDESNKP